The following is an entry in ClinVar:

ClinVar aggregate classification (germline): Pathogenic (1 of 4 stars; one submission).

Conditions:
Primary ciliary dyskinesia. Also called: Ciliary dyskinesia. Identifiers: Orphanet 244, MedGen C0008780, MONDO:0016575, HP:0012265.

gnomAD v4.1: 1 of 1,614,218 alleles (0.000062%); highest among the groups gnomAD compares: Non-Finnish European, 0.000085%; no homozygotes.

Submission:

Labcorp Genetics (formerly Invitae), Labcorp
Classification: Pathogenic for Primary ciliary dyskinesia. Last evaluated: 2021-07-13. Review status: criteria provided, single submitter. Criteria: Invitae Variant Classification Sherloc (09022015). Collection method: clinical testing. Allele origin: germline.
Comment: This variant is not present in population databases (ExAC no frequency). This sequence change creates a premature translational stop signal (p.Glu599*) in the DNAI2 gene. It is expected to result in an absent or disrupted protein product. Loss-of-function variants in DNAI2 are known to be pathogenic (PMID: 18950741, 23891469). This variant has not been reported in the literature in individuals affected with DNAI2-related conditions. For these reasons, this variant has been classified as Pathogenic.

Literature cited by the submitters: PubMed 18950741; PubMed 23891469.

NM_023036.6(DNAI2):c.1795G>T (p.Glu599Ter)

Gene: DNAI2 (dynein axonemal intermediate chain 2; plus strand). Cytogenetic location: 17q25.1.
Variant type: single nucleotide variant.
Coding change: c.1795G>T on transcript NM_023036.6 (MANE Select); coding-DNA position 1795, G replaced by T.
Protein change: p.Glu599Ter; replaces glutamic acid 599 with a stop codon.
Molecular consequence: nonsense. On other transcripts: non-coding transcript variant (1).
Genome position (GRCh38, 1-based): chr17:74,314,193, G>T. VCF-style: chr17-74314193-G-T. GRCh37 (hg19) VCF-style: chr17-72310332-G-T.
Other names: c.1759G>T, p.Glu587Ter (NM_001172810.3); c.1927G>T, p.Glu643Ter (NM_001353167.2); short protein forms E599*, E643*, E587*.
Identifiers: ClinVar variation 1457363 (VCV001457363.14), dbSNP rs1374403931, ClinGen allele CA400914743.